The following is an entry in ClinVar:

ClinVar aggregate classification (germline): Uncertain significance (1 of 4 stars; one submission).

Submission:

CeGaT Center for Human Genetics Tuebingen
Classification: Uncertain significance. Last evaluated: 2025-10-01. Review status: criteria provided, single submitter. Criteria: CeGaT Center For Human Genetics Tuebingen Variant Classification Criteria Version 2. Collection method: clinical testing. Allele origin: germline. Affected: yes. Observed: 1 variant allele.
Comment: CHD2: PM2, PP3

NM_001271.4(CHD2):c.4414T>C (p.Cys1472Arg)

Gene: CHD2 (chromodomain helicase DNA binding protein 2; plus strand). Cytogenetic location: 15q26.1.
Variant type: single nucleotide variant.
Coding change: c.4414T>C on transcript NM_001271.4 (MANE Select); coding-DNA position 4414, T replaced by C.
Protein change: p.Cys1472Arg; replaces cysteine 1472 with arginine.
Molecular consequence: missense variant.
Genome position (GRCh38, 1-based): chr15:93,009,145, T>C. VCF-style: chr15-93009145-T-C. GRCh37 (hg19) VCF-style: chr15-93552375-T-C.
Other names: short protein forms C1472R.
Identifiers: ClinVar variation 4534867 (VCV004534867.6).